The following is an entry in ClinVar:

ClinVar aggregate classification (germline): Uncertain significance (1 of 4 stars; one submission).

Allele frequency attached by ClinVar (database versions not stated): gnomAD exomes 0.00001; TOPMed 0.00001.
gnomAD v4.1: 5 of 1,614,188 alleles (0.00031%); highest among the groups gnomAD compares: Admixed American, 0.0083%; no homozygotes.

Submission:

Labcorp Genetics (formerly Invitae), Labcorp
Classification: Uncertain significance. Last evaluated: 2024-03-16. Review status: criteria provided, single submitter. Criteria: Invitae Variant Classification Sherloc (09022015). Collection method: clinical testing. Allele origin: germline.
Comment: This sequence change replaces phenylalanine, which is neutral and non-polar, with tyrosine, which is neutral and polar, at codon 916 of the ATP1A1 protein (p.Phe916Tyr). This variant is present in population databases (rs753022560, gnomAD 0.01%). This variant has not been reported in the literature in individuals affected with ATP1A1-related conditions. ClinVar contains an entry for this variant (Variation ID: 1999493). Advanced modeling of protein sequence and biophysical properties (such as structural, functional, and spatial information, amino acid conservation, physicochemical variation, residue mobility, and thermodynamic stability) performed at Invitae indicates that this missense variant is not expected to disrupt ATP1A1 protein function with a negative predictive value of 80%. In summary, the available evidence is currently insufficient to determine the role of this variant in disease. Therefore, it has been classified as a Variant of Uncertain Significance.

NM_000701.8(ATP1A1):c.2747T>A (p.Phe916Tyr)

Genes: ATP1A1 (ATPase Na+/K+ transporting subunit alpha 1; plus strand), ATP1A1-AS1 (ATP1A1 antisense RNA 1; minus strand). Cytogenetic location: 1p13.1.
Variant type: single nucleotide variant.
Coding change: c.2747T>A on transcript NM_000701.8 (MANE Select); coding-DNA position 2747, T replaced by A.
Protein change: p.Phe916Tyr; replaces phenylalanine 916 with tyrosine.
Molecular consequence: missense variant.
Genome position (GRCh38, 1-based): chr1:116,401,158, T>A. VCF-style: chr1-116401158-T-A. GRCh37 (hg19) VCF-style: chr1-116943780-T-A.
Other names: c.2747T>A, p.Phe916Tyr (NM_001160233.2); c.2654T>A, p.Phe885Tyr (NM_001160234.2); short protein forms F885Y, F916Y.
Identifiers: ClinVar variation 1999493 (VCV001999493.4), dbSNP rs753022560, ClinGen allele CA1025631.